The following is an entry in ClinVar:

ClinVar aggregate classification (germline): Uncertain significance (1 of 4 stars; one submission).

Submission:

Labcorp Genetics (formerly Invitae), Labcorp
Classification: Uncertain significance. Last evaluated: 2022-01-15. Review status: criteria provided, single submitter. Criteria: Invitae Variant Classification Sherloc (09022015). Collection method: clinical testing. Allele origin: germline.
Comment: This variant has not been reported in the literature in individuals affected with KCNV2-related conditions. In summary, the available evidence is currently insufficient to determine the role of this variant in disease. Therefore, it has been classified as a Variant of Uncertain Significance. Algorithms developed to predict the effect of missense changes on protein structure and function output the following: SIFT: "Tolerated"; PolyPhen-2: "Possibly Damaging"; Align-GVGD: "Class C0". The leucine amino acid residue is found in multiple mammalian species, which suggests that this missense change does not adversely affect protein function. This variant is not present in population databases (gnomAD no frequency). This sequence change replaces proline, which is neutral and non-polar, with leucine, which is neutral and non-polar, at codon 445 of the KCNV2 protein (p.Pro445Leu).

NM_133497.4(KCNV2):c.1334C>T (p.Pro445Leu)

Gene: KCNV2 (potassium voltage-gated channel modifier subfamily V member 2; plus strand). Cytogenetic location: 9p24.2.
Variant type: single nucleotide variant.
Coding change: c.1334C>T on transcript NM_133497.4 (MANE Select); coding-DNA position 1334, C replaced by T.
Protein change: p.Pro445Leu; replaces proline 445 with leucine.
Molecular consequence: missense variant.
Genome position (GRCh38, 1-based): chr9:2,719,073, C>T. VCF-style: chr9-2719073-C-T. GRCh37 (hg19) VCF-style: chr9-2719073-C-T.
Other names: short protein forms P445L.
Identifiers: ClinVar variation 2083835 (VCV002083835.4), dbSNP rs2536974490, ClinGen allele CA372802747.